The following is an entry in ClinVar:

ClinVar aggregate classification (germline): Uncertain significance (3 of 4 stars; one submission).

Conditions:
Immunodeficiency 104. Also called: Severe combined immunodeficiency, autosomal recessive, T cell-negative, B cell-positive, NK cell-positive; IMMUNODEFICIENCY 104, SEVERE COMBINED; Severe Combined Immune Deficiency, Autosomal Recessive, TCell -Negative, B Cell-Positive, NK Cell-Positive, IL7R-Related; SCID, AUTOSOMAL RECESSIVE, T CELL-NEGATIVE, B CELL-POSITIVE, NK CELL-POSITIVE. Identifiers: MedGen C5676890, MONDO:0012163, OMIM 608971.

Submission:

ClinGen Severe Combined Immunodeficiency Variant Curation Expert Panel, ClinGen
Classification: Uncertain significance for Immunodeficiency 104. Last evaluated: 2024-03-20. Review status: reviewed by expert panel. Criteria: ClinGen SCID ACMG Specifications IL7R V1.0.0. Collection method: curation. Allele origin: germline. Inheritance: Autosomal recessive inheritance.
Comment: NM_002185.5(IL7R):c.553A>T is a missense variant predicted to cause substitution of Serine by Cysteine at amino acid 185 (p.Ser185Cys). The variant is absent in gnomAD v4 (PM2_supporting). There are no publications for this variant in the literature. In summary, this variant meets the criteria to be classified as a variant of uncertain significance for autosomal recessive severe combined immunodeficiency due to IL7R deficiency based on the ACMG/AMP criteria applied, as specified by the ClinGen SCID VCEP: PM2_supporting (VCEP specifications version 1).

NM_002185.5(IL7R):c.553A>T (p.Ser185Cys)

Gene: IL7R (interleukin 7 receptor; plus strand). Cytogenetic location: 5p13.2.
Variant type: single nucleotide variant.
Coding change: c.553A>T on transcript NM_002185.5 (MANE Select); coding-DNA position 553, A replaced by T.
Protein change: p.Ser185Cys; replaces serine 185 with cysteine.
Molecular consequence: missense variant.
Genome position (GRCh38, 1-based): chr5:35,873,495, A>T. VCF-style: chr5-35873495-A-T. GRCh37 (hg19) VCF-style: chr5-35873597-A-T.
Other names: NM_002185.5(IL7R):c.553A>T; p.Ser185Cys; short protein forms S185C.
Identifiers: ClinVar variation 376098 (VCV000376098.1), dbSNP rs1057519759, ClinGen allele CA16602559.